The following is an entry in ClinVar:

NM_001267550.2(TTN):c.96234C>T (p.Tyr32078=)

Genes: TTN (titin; minus strand), TTN-AS1 (TTN antisense RNA 1; plus strand), LOC126806421 (CDK7 strongly-dependent group 2 enhancer GRCh37_chr2:179407630-179408829; plus strand). Cytogenetic location: 2q31.2.
Variant type: single nucleotide variant.
Coding change: c.96234C>T on transcript NM_001267550.2 (MANE Select); coding-DNA position 96234, C replaced by T.
Protein change: p.Tyr32078=; no amino-acid change (tyrosine 32078 retained).
Molecular consequence: synonymous variant.
Genome position (GRCh38, 1-based): chr2:178,543,910, G>A on the plus strand (C>T on the coding strand, the complement: TTN is on the minus strand). VCF-style: chr2-178543910-G-A. GRCh37 (hg19) VCF-style: chr2-179408637-G-A.
Other names: c.91311C>T, p.Tyr30437= (NM_001256850.1); c.69039C>T, p.Tyr23013= (NM_003319.4); c.88530C>T, p.Tyr29510= (NM_133378.4); c.69414C>T, p.Tyr23138= (NM_133432.3); c.69615C>T, p.Tyr23205= (NM_133437.4).
Identifiers: ClinVar variation 47567 (VCV000047567.75), dbSNP rs376532382, ClinGen allele CA141370.
Genomic context (GRCh38, chr2:178,543,910, plus strand): 5'-GACTGTTGCTGATTTCTTGCCAGATTGGTTTTCAGCTTCAATTGTGTATTTTCCAGCATC[G>A]TACCGATTAACTTTGTCCACTATTAGCAATGAGTAGCTCTCAGTGGTGTCAATAATTGCC-3'
Protein context (NP_001254479.2, residues 32068-32088): SLLIVDKVNR[Tyr32078=]DAGKYTIEAE

ClinVar aggregate classification (germline): Conflicting classifications of pathogenicity. Review status: criteria provided, conflicting classifications (1 of 4 stars). 17 submissions from 13 submitters: Uncertain significance (4); Benign (2); Likely benign (9). 2 of the submissions do not count toward it. Last evaluated 2026-06-01.

Conditions:
TTN-related disorder. Also called: TTN-related disorders; TTN-related condition; TTN-related disease.
Cardiovascular phenotype. Identifiers: MedGen CN230736.
Autosomal recessive limb-girdle muscular dystrophy type 2J (LGMDR10). Also called: MUSCULAR DYSTROPHY, LIMB-GIRDLE, AUTOSOMAL RECESSIVE 10; Limb-girdle muscular dystrophy, type 2J. Identifiers: Orphanet 140922, MedGen C1837342, MONDO:0012127, OMIM 608807.
Dilated cardiomyopathy 1G (CMD1G). Identifiers: Orphanet 154, MedGen C1858763, MONDO:0011400, OMIM 604145.
Early-onset myopathy with fatal cardiomyopathy (CMYO5). Also called: CONGENITAL MYOPATHY 5 WITH CARDIOMYOPATHY; Salih Myopathy. Identifiers: Orphanet 289377, MedGen C2673677, MONDO:0012714, OMIM 611705. Disease mechanism: loss of function.
Myopathy, myofibrillar, 9, with early respiratory failure (MFM9). Also called: Myopathy, distal, with early respiratory failure, autosomal dominant; Hereditary myopathy with early respiratory failure; EDSTROM MYOPATHY; MYOPATHY, PROXIMAL, WITH EARLY RESPIRATORY MUSCLE INVOLVEMENT. Identifiers: Orphanet 178464, Orphanet 34521, MedGen C1863599, MONDO:0011362, OMIM 603689.
Tibial muscular dystrophy (TMD). Also called: Tibial muscular dystrophy, tardive; Udd Distal Myopathy – Tibial Muscular Dystrophy; UDD MYOPATHY. Identifiers: Orphanet 609, MedGen C1838244, MONDO:0010870, OMIM 600334.

Allele frequency attached by ClinVar (database versions not stated): gnomAD exomes 0.00015 and 0.00023; gnomAD 0.00017 and 0.00018; ESP Exome Variant Server 0.00008; TOPMed 0.00017; ExAC 0.00027.
gnomAD v4.1: 243 of 1,613,524 alleles (0.015%); highest among the groups gnomAD compares: Non-Finnish European, 0.016%; no homozygotes.

Submissions (17):

CeGaT Center for Human Genetics Tuebingen
Classification: Likely benign. Last evaluated: 2026-06-01. Review status: criteria provided, single submitter. Criteria: CeGaT Center For Human Genetics Tuebingen Variant Classification Criteria Version 2. Collection method: clinical testing. Allele origin: germline. Affected: yes. Observed: 10 variant alleles.
Comment: TTN: BP4, BP7

Labcorp Genetics (formerly Invitae), Labcorp
Classification: Likely benign for Dilated cardiomyopathy 1G; Autosomal recessive limb-girdle muscular dystrophy type 2J. Last evaluated: 2026-01-19. Review status: criteria provided, single submitter. Criteria: Invitae Variant Classification Sherloc (09022015). Collection method: clinical testing. Allele origin: germline.

PreventionGenetics, part of Exact Sciences
Classification: Likely benign for TTN-related condition. Last evaluated: 2025-09-04. Review status: criteria provided, single submitter. Criteria: ACMG Guidelines, 2015. Collection method: clinical testing. Allele origin: germline.
Comment: This variant is classified as likely benign based on ACMG/AMP sequence variant interpretation guidelines (Richards et al. 2015 PMID: 25741868, with internal and published modifications).

Laboratory of Genetics, Children's Clinical University Hospital Latvia
Classification: Likely benign. Last evaluated: 2025-02-16. Review status: criteria provided, single submitter. Criteria: ACMG Guidelines, 2015. Collection method: clinical testing. Allele origin: germline. Affected: yes.

Blueprint Genetics
Classification: Likely benign. Last evaluated: 2024-11-13. Review status: criteria provided, single submitter. Criteria: ACMG Guidelines, 2015. Collection method: clinical testing. Allele origin: germline.

Women's Health and Genetics/Laboratory Corporation of America, LabCorp
Classification: Likely benign. Last evaluated: 2023-05-22. Review status: criteria provided, single submitter. Criteria: LabCorp Variant Classification Summary - May 2015. Collection method: clinical testing. Allele origin: germline.

Illumina Laboratory Services, Illumina
Classification: Uncertain significance for Autosomal recessive limb-girdle muscular dystrophy type 2J. Last evaluated: 2018-01-12. Review status: criteria provided, single submitter. Criteria: ICSL Variant Classification Criteria 13 December 2019. Collection method: clinical testing. Allele origin: germline.

Illumina Laboratory Services, Illumina
Classification: Uncertain significance for Dilated cardiomyopathy 1G. Last evaluated: 2018-01-12. Review status: criteria provided, single submitter. Criteria: ICSL Variant Classification Criteria 13 December 2019. Collection method: clinical testing. Allele origin: germline.

Illumina Laboratory Services, Illumina
Classification: Uncertain significance for Early-onset myopathy with fatal cardiomyopathy. Last evaluated: 2018-01-12. Review status: criteria provided, single submitter. Criteria: ICSL Variant Classification Criteria 13 December 2019. Collection method: clinical testing. Allele origin: germline.

Illumina Laboratory Services, Illumina
Classification: Benign for Myopathy, myofibrillar, 9, with early respiratory failure. Last evaluated: 2018-01-12. Review status: criteria provided, single submitter. Criteria: ICSL Variant Classification Criteria 13 December 2019. Collection method: clinical testing. Allele origin: germline.
Comment: This variant was observed in the ICSL laboratory as part of a predisposition screen in an ostensibly healthy population. It had not been previously curated by ICSL or reported in the Human Gene Mutation Database (HGMD: prior to June 1st, 2018), and was therefore a candidate for classification through an automated scoring system. Utilizing variant allele frequency, disease prevalence and penetrance estimates, and inheritance mode, an automated score was calculated to assess if this variant is too frequent to cause the disease. Based on the score and internal cut-off values, a variant classified as benign is not then subjected to further curation. The score for this variant resulted in a classification of benign for this disease.

Illumina Laboratory Services, Illumina
Classification: Benign for Tibial muscular dystrophy. Last evaluated: 2018-01-12. Review status: criteria provided, single submitter. Criteria: ICSL Variant Classification Criteria 13 December 2019. Collection method: clinical testing. Allele origin: germline.
Comment: the same text as in the submission from Illumina Laboratory Services, Illumina above.

GeneDx
Classification: Likely benign. Last evaluated: 2017-07-24. Review status: criteria provided, single submitter. Criteria: GeneDx Variant Classification (06012015). Collection method: clinical testing. Allele origin: germline. Affected: yes.
Comment: This variant is considered likely benign or benign based on one or more of the following criteria: it is a conservative change, it occurs at a poorly conserved position in the protein, it is predicted to be benign by multiple in silico algorithms, and/or has population frequency not consistent with disease.

Ambry Genetics
Classification: Likely benign for Cardiovascular phenotype. Last evaluated: 2016-06-16. Review status: criteria provided, single submitter. Criteria: Ambry Variant Classification Scheme 2023. Collection method: clinical testing. Allele origin: germline.

Eurofins Ntd Llc (ga)
Classification: Uncertain significance. Last evaluated: 2015-06-22. Review status: criteria provided, single submitter. Criteria: EGL Classification Definitions 2015. Collection method: clinical testing. Allele origin: germline. Observed: 3 variant alleles, 3 heterozygotes.

Laboratory for Molecular Medicine, Mass General Brigham Personalized Medicine
Classification: Likely benign. Last evaluated: 2012-03-19. Review status: criteria provided, single submitter. Criteria: LMM Criteria. Collection method: clinical testing. Allele origin: germline. Observed: 4 variant alleles.
Comment: Tyr29510Tyr in exon 295 of TTN: This variant is not expected to have clinical si gnificance because it does not alter an amino acid residue and is not located wi thin the splice consensus sequence. It has been identified in 1/6688 European Am erican chromosomes from a broad population by the NHLBI Exome Sequencing Project (dbSNP rs376532382).

Genome Diagnostics Laboratory, University Medical Center Utrecht
Classification: Likely benign. Review status: no assertion criteria provided. Collection method: clinical testing. Allele origin: germline. Affected: yes. Study: VKGL Data-share Consensus. Not counted in ClinVar's aggregate classification.

Joint Genome Diagnostic Labs from Nijmegen and Maastricht, Radboudumc and MUMC+
Classification: Benign. Review status: no assertion criteria provided. Collection method: clinical testing. Allele origin: germline. Affected: yes. Study: VKGL Data-share Consensus. Not counted in ClinVar's aggregate classification.